The following is an entry in ClinVar:

NM_006947.4(SRP72):c.84G>C (p.Thr28=)

Gene: SRP72 (signal recognition particle 72; plus strand). Cytogenetic location: 4q12.
Variant type: single nucleotide variant.
Coding change: c.84G>C on transcript NM_006947.4 (MANE Select); coding-DNA position 84, G replaced by C.
Protein change: p.Thr28=; no amino-acid change (threonine 28 retained).
Molecular consequence: synonymous variant. On other transcripts: non-coding transcript variant (1).
Genome position (GRCh38, 1-based): chr4:56,467,719, G>C. VCF-style: chr4-56467719-G-C. GRCh37 (hg19) VCF-style: chr4-57333885-G-C.
Other names: c.84G>C, p.Thr28= (NM_001267722.2).
Identifiers: ClinVar variation 4538972 (VCV004538972.2).

ClinVar aggregate classification (germline): Conflicting classifications of pathogenicity. Review status: criteria provided, conflicting classifications (1 of 4 stars). 2 submissions from 2 submitters: Uncertain significance (1); Likely benign (1). Last evaluated 2025-06-20.

gnomAD v4.1: 9 of 1,553,124 alleles (0.00058%); highest among the groups gnomAD compares: African/African-American, 0.013%; no homozygotes.

Submissions (2):

GeneDx
Classification: Uncertain significance. Last evaluated: 2025-06-20. Review status: criteria provided, single submitter. Criteria: GeneDx Variant Classification Process June 2021. Collection method: clinical testing. Allele origin: germline. Affected: yes.
Comment: Not observed at significant frequency in large population cohorts (gnomAD); In silico analysis suggests that this variant does not alter splicing; Has not been previously published as pathogenic or benign to our knowledge

Labcorp Genetics (formerly Invitae), Labcorp
Classification: Likely benign. Last evaluated: 2025-03-17. Review status: criteria provided, single submitter. Criteria: Invitae Variant Classification Sherloc (09022015). Collection method: clinical testing. Allele origin: germline.